The following is an entry in ClinVar:

ClinVar aggregate classification (germline): Uncertain significance (1 of 4 stars; one submission).

Conditions:
Cardiovascular phenotype. Identifiers: MedGen CN230736.

gnomAD v4.1: 12 of 1,530,108 alleles (0.00078%); highest among the groups gnomAD compares: Non-Finnish European, 0.00097%; no homozygotes.

Submission:

Ambry Genetics
Classification: Uncertain significance for Cardiovascular phenotype. Last evaluated: 2026-05-14. Review status: criteria provided, single submitter. Criteria: Ambry Variant Classification Scheme 2023. Collection method: clinical testing. Allele origin: germline.
Comment: The p.V552F variant (also known as c.1654G>T), located in coding exon 29 of the TRDN gene, results from a G to T substitution at nucleotide position 1654. The valine at codon 552 is replaced by phenylalanine, an amino acid with highly similar properties. This amino acid position is conserved. In addition, this alteration is predicted to be tolerated by in silico analysis. Based on the available evidence, the clinical significance of this variant remains unclear.

NM_006073.4(TRDN):c.1654G>T (p.Val552Phe)

Gene: TRDN (triadin; minus strand). Cytogenetic location: 6q22.31.
Variant type: single nucleotide variant.
Coding change: c.1654G>T on transcript NM_006073.4 (MANE Select); coding-DNA position 1654, G replaced by T.
Protein change: p.Val552Phe; replaces valine 552 with phenylalanine.
Molecular consequence: missense variant.
Genome position (GRCh38, 1-based): chr6:123,272,982, C>A on the plus strand (G>T on the coding strand, the complement: TRDN is on the minus strand). VCF-style: chr6-123272982-C-A. GRCh37 (hg19) VCF-style: chr6-123594127-C-A.
Other names: short protein forms V552F.
Identifiers: ClinVar variation 4865905 (VCV004865905.1).